The following is an entry in ClinVar:

ClinVar aggregate classification (germline): Uncertain significance (1 of 4 stars; one submission).

Submission:

GeneDx
Classification: Uncertain significance. Last evaluated: 2019-07-23. Review status: criteria provided, single submitter. Criteria: GeneDx Variant Classification Process June 2021. Collection method: clinical testing. Allele origin: germline. Affected: yes.
Comment: Not observed in large population cohorts (Lek et al., 2016); In silico analysis, which includes protein predictors and evolutionary conservation, supports a deleterious effect; Has not been previously published as pathogenic or benign to our knowledge

NM_024306.5(FA2H):c.932A>G (p.Tyr311Cys)

Gene: FA2H (fatty acid 2-hydroxylase; minus strand). Cytogenetic location: 16q23.1.
Variant type: single nucleotide variant.
Coding change: c.932A>G on transcript NM_024306.5 (MANE Select); coding-DNA position 932, A replaced by G.
Protein change: p.Tyr311Cys; replaces tyrosine 311 with cysteine.
Molecular consequence: missense variant.
Genome position (GRCh38, 1-based): chr16:74,716,454, T>C on the plus strand (A>G on the coding strand, the complement: FA2H is on the minus strand). VCF-style: chr16-74716454-T-C. GRCh37 (hg19) VCF-style: chr16-74750352-T-C.
Other names: short protein forms Y311C.
Identifiers: ClinVar variation 1307184 (VCV001307184.2), dbSNP rs2144601630, ClinGen allele CA396769050.
Genomic context (GRCh38, chr16:74,716,454, plus strand): 5'-CTGTACAGGTAGGAGCCCTTGTGCGGCGAGCCAAAGTGCAGGTAGTAATGGGTCATGTCA[T>C]AGAGGACGTAGCCCAGGAGGCCCCCCGCAAACACAGTGCCCCCTACTGCCTCGGGCAGGA-3'
Protein context (NP_077282.3, residues 301-321): FAGGLLGYVL[Tyr311Cys]DMTHYYLHFG